The following is an entry in ClinVar:

ClinVar aggregate classification (germline): Conflicting classifications of pathogenicity. Review status: criteria provided, conflicting classifications (1 of 4 stars). 3 submissions from 3 submitters: Uncertain significance (2); Likely benign (1). Last evaluated 2026-09-14.

Conditions:
Deafness, congenital heart defects, and posterior embryotoxon (DCHE). Identifiers: MedGen C1866053, MONDO:0060713, OMIM 617992.
Tetralogy of Fallot (TOF). Identifiers: Orphanet 3303, MedGen C0039685, MONDO:0008542, OMIM 187500, HP:0001636.
Charcot-Marie-Tooth disease, axonal, Type 2HH. Also called: CHARCOT-MARIE-TOOTH NEUROPATHY, TYPE 2HH. Identifiers: MedGen C5562003, MONDO:0030458, OMIM 619574.
Alagille syndrome due to a JAG1 point mutation. Also called: Alagille Syndrome 1; HEPATIC DUCTULAR HYPOPLASIA, SYNDROMATIC; JAG1-Related Alagille Syndrome. Identifiers: Orphanet 261619, Orphanet 52, MedGen C1956125, MONDO:0016862, OMIM 118450.
JAG1-related disorder. Also called: JAG1-related condition; JAG1-related disorders.

Allele frequency attached by ClinVar (database versions not stated): ExAC 0.00001; gnomAD exomes 0.00001; TOPMed 0.00001; gnomAD 0.00002; ESP Exome Variant Server 0.00008.
gnomAD v4.1: 19 of 1,614,098 alleles (0.0012%); highest among the groups gnomAD compares: Admixed American, 0.0017%; no homozygotes.

Submissions (3):

PreventionGenetics, part of Exact Sciences
Classification: Uncertain significance for JAG1-related condition. Last evaluated: 2026-09-14. Review status: criteria provided, single submitter. Criteria: ACMG Guidelines, 2015. Collection method: clinical testing. Allele origin: germline.
Comment: The JAG1 c.2792C>T variant is predicted to result in the amino acid substitution p.Thr931Ile. This variant was reported in cohort study of individuals with congenital heart disease (Extended Data Set 4, Sierant et al. 2025. PubMed ID: 40127276). This variant is reported in 0.0026% of alleles in individuals of European (Non-Finnish) descent in gnomAD. At this time, the clinical significance of this variant is uncertain due to the absence of conclusive functional and genetic evidence.

Labcorp Genetics (formerly Invitae), Labcorp
Classification: Likely benign for Alagille syndrome due to a JAG1 point mutation. Last evaluated: 2025-04-08. Review status: criteria provided, single submitter. Criteria: Invitae Variant Classification Sherloc (09022015). Collection method: clinical testing. Allele origin: germline.

Fulgent Genetics
Classification: Uncertain significance for Alagille syndrome due to a JAG1 point mutation; Tetralogy of Fallot; Deafness, congenital heart defects, and posterior embryotoxon; Charcot-Marie-Tooth disease, axonal, Type 2HH. Last evaluated: 2022-03-14. Review status: criteria provided, single submitter. Criteria: ACMG Guidelines, 2015. Collection method: clinical testing. Allele origin: unknown.

NM_000214.3(JAG1):c.2792C>T (p.Thr931Ile)

Gene: JAG1 (jagged canonical Notch ligand 1; minus strand). Cytogenetic location: 20p12.2.
Variant type: single nucleotide variant.
Coding change: c.2792C>T on transcript NM_000214.3 (MANE Select); coding-DNA position 2792, C replaced by T.
Protein change: p.Thr931Ile; replaces threonine 931 with isoleucine.
Molecular consequence: missense variant.
Genome position (GRCh38, 1-based): chr20:10,641,584, G>A on the plus strand (C>T on the coding strand, the complement: JAG1 is on the minus strand). VCF-style: chr20-10641584-G-A. GRCh37 (hg19) VCF-style: chr20-10622232-G-A.
Other names: short protein forms T931I.
Identifiers: ClinVar variation 841934 (VCV000841934.9), dbSNP rs368032094, ClinGen allele CA9764393.